The following is an entry in ClinVar:

NM_000404.4(GLB1):c.485del (p.Leu162fs)

Gene: GLB1 (galactosidase beta 1; minus strand). Cytogenetic location: 3p22.3.
Variant type: Deletion.
Coding change: c.485del on transcript NM_000404.4 (MANE Select); coding-DNA position 485, one base deleted (T; older notation c.485delT).
Protein change: p.Leu162fs; shifts the reading frame from leucine 162.
Molecular consequence: frameshift variant.
Genome position (GRCh38, 1-based): chr3:33,065,530, A deleted on the plus strand (T on the coding strand, the reverse complement: GLB1 is on the minus strand); the first of 2 consecutive A bases (chr3:33,065,530-33,065,531); deleting either gives the same sequence. VCF-style (leftmost placement, unchanged base first): chr3-33065529-CA-C. GRCh37 (hg19) VCF-style: chr3-33107021-CA-C.
Other names: c.395del, p.Leu132fs (NM_001079811.3); c.273del, p.Ser93fs (NM_001135602.3); c.629del, p.Leu210fs (NM_001317040.2); c.485del, p.Leu162fs (NM_001393580.1); short protein forms L162fs, L210fs, S93fs, L132fs.
Identifiers: ClinVar variation 1911508 (VCV001911508.5), dbSNP rs2471424690, ClinGen allele CA2580069256.

ClinVar aggregate classification (germline): Pathogenic (1 of 4 stars; one submission).

Conditions:
GM1 gangliosidosis. Identifiers: Orphanet 354, MedGen C0085131, MONDO:0018149.
Mucopolysaccharidosis, MPS-IV-B (MPS4B). Also called: Mucopolysaccharidosis type IV B; Mucopolysaccharidosis type 4B; MORQUIO SYNDROME B; Mucopolysaccharidosis type IVB (Morquio); MPS IVB; Mucopolysaccharidosis Type IVB. Identifiers: Orphanet 309310, Orphanet 582, MedGen C0086652, MONDO:0009660, OMIM 253010.

Submission:

Labcorp Genetics (formerly Invitae), Labcorp
Classification: Pathogenic for Mucopolysaccharidosis, MPS-IV-B; GM1 gangliosidosis. Last evaluated: 2022-08-20. Review status: criteria provided, single submitter. Criteria: Invitae Variant Classification Sherloc (09022015). Collection method: clinical testing. Allele origin: germline.
Comment: For these reasons, this variant has been classified as Pathogenic. This variant has not been reported in the literature in individuals affected with GLB1-related conditions. This variant is not present in population databases (gnomAD no frequency). This sequence change creates a premature translational stop signal (p.Leu162Trpfs*8) in the GLB1 gene. It is expected to result in an absent or disrupted protein product. Loss-of-function variants in GLB1 are known to be pathogenic (PMID: 18524657).

Literature cited by the submitters: PubMed 18524657.